The following is an entry in ClinVar:

ClinVar aggregate classification (germline): Uncertain significance (1 of 4 stars; one submission).

Submission:

GeneDx
Classification: Uncertain significance. Last evaluated: 2023-06-15. Review status: criteria provided, single submitter. Criteria: GeneDx Variant Classification Process June 2021. Collection method: clinical testing. Allele origin: germline. Affected: yes.
Comment: Not observed at significant frequency in large population cohorts (gnomAD); In silico analysis supports that this missense variant does not alter protein structure/function; Has not been previously published as pathogenic or benign to our knowledge

NM_003482.4(KMT2D):c.3604T>G (p.Ser1202Ala)

Genes: KMT2D (lysine methyltransferase 2D; minus strand), LOC126861520 (CDK7 strongly-dependent group 2 enhancer GRCh37_chr12:49442744-49443943; plus strand). Cytogenetic location: 12q13.12.
Variant type: single nucleotide variant.
Coding change: c.3604T>G on transcript NM_003482.4 (MANE Select); coding-DNA position 3604, T replaced by G.
Protein change: p.Ser1202Ala; replaces serine 1202 with alanine.
Molecular consequence: missense variant.
Genome position (GRCh38, 1-based): chr12:49,049,984, A>C on the plus strand (T>G on the coding strand, the complement: KMT2D is on the minus strand). VCF-style: chr12-49049984-A-C. GRCh37 (hg19) VCF-style: chr12-49443767-A-C.
Other names: short protein forms S1202A.
Identifiers: ClinVar variation 3359888 (VCV003359888.1).